The following is an entry in ClinVar:

NM_000487.6(ARSA):c.109_116del (p.Asp37fs)

Gene: ARSA (arylsulfatase A; minus strand). Cytogenetic location: 22q13.33.
Variant type: Deletion.
Coding change: c.109_116del on transcript NM_000487.6 (MANE Select); coding-DNA positions 109 to 116, 8 bases deleted (GACCTGGG; older notation c.109_116delGACCTGGG).
Protein change: p.Asp37fs; shifts the reading frame from aspartic acid 37.
Molecular consequence: frameshift variant. On other transcripts: intron variant (2).
Genome position (GRCh38, 1-based): chr22:50,627,664-50,627,671, CCCAGGTC deleted on the plus strand (GACCTGGG on the coding strand, the reverse complement: ARSA is on the minus strand); deleting any 8 consecutive bases within chr22:50,627,664-50,627,675 gives the same sequence; the c. name uses the placement nearest the transcript's 3' end. VCF-style (leftmost placement, unchanged base first): chr22-50627663-GCCCAGGTC-G. GRCh37 (hg19) VCF-style: chr22-51066091-GCCCAGGTC-G.
Other names: c.109_116delGACCTGGG (NM_000487.5); c.109_116del, p.Asp37fs (NM_001085425.3, NM_001085426.3, NM_001085427.3); c.-34-265_-34-258del (NM_001362782.2, NM_001085428.3); c.109_116del (NM_000487.5); short protein forms D37fs.
Identifiers: ClinVar variation 555003 (VCV000555003.13), dbSNP rs753415648, ClinGen allele CA10325112.

ClinVar aggregate classification (germline): Pathogenic. Review status: criteria provided, multiple submitters, no conflicts (2 of 4 stars). 6 submissions from 6 submitters: Pathogenic (5). 1 of the submissions does not count toward it. Last evaluated 2025-11-17.

Conditions:
Metachromatic leukodystrophy (MLD). Also called: Cerebral sclerosis diffuse metachromatic form; Arylsulfatase A Deficiency; ARSA DEFICIENCY; CEREBROSIDE SULFATASE DEFICIENCY; METACHROMATIC LEUKOENCEPHALOPATHY; SULFATIDE LIPIDOSIS. Identifiers: Orphanet 512, MedGen C0023522, MONDO:0018868, OMIM 250100.

Submissions (6):

Natera, Inc.
Classification: Pathogenic for Metachromatic leukodystrophy. Last evaluated: 2025-11-17. Review status: criteria provided, single submitter. Criteria: Natera Variant Classification Schema (03/2026). Collection method: clinical testing. Allele origin: germline.
Comment: The c.109_116delGACCTGGG variant in ARSA is a frameshift variant predicted to shift the reading frame beginning at codon 37 and leads to a stop codon 36 codons downstream. This variant is expected to result in nonsense mediated decay, truncation, or a dysfunctional protein product. This variant is rare in the general population with a frequency below the threshold expected for the associated phenotype(s). This variant has been observed in one or more individuals affected with the associated recessive disease, as either homozygous or compound heterozygous with a second variant (PMID: 25965562). Given the available evidence, this variant is classified as Pathogenic.

GeneDx
Classification: Pathogenic. Last evaluated: 2023-09-10. Review status: criteria provided, single submitter. Criteria: GeneDx Variant Classification Process June 2021. Collection method: clinical testing. Allele origin: germline. Affected: yes.
Comment: Frameshift variant predicted to result in protein truncation or nonsense mediated decay in a gene for which loss of function is a known mechanism of disease; Not observed at significant frequency in large population cohorts (gnomAD); This variant is associated with the following publications: (PMID: 9090526, 31589614, 10477432)

Labcorp Genetics (formerly Invitae), Labcorp
Classification: Pathogenic for Metachromatic leukodystrophy. Last evaluated: 2023-06-29. Review status: criteria provided, single submitter. Criteria: Invitae Variant Classification Sherloc (09022015). Collection method: clinical testing. Allele origin: germline.
Comment: This premature translational stop signal has been observed in individual(s) with metachromatic leukodystrophy (PMID: 9090526). This sequence change creates a premature translational stop signal (p.Asp37Leufs*36) in the ARSA gene. It is expected to result in an absent or disrupted protein product. Loss-of-function variants in ARSA are known to be pathogenic (PMID: 8962139, 10477432). The frequency data for this variant in the population databases is considered unreliable, as metrics indicate poor data quality at this position in the gnomAD database. This variant is also known as 103del8bp. ClinVar contains an entry for this variant (Variation ID: 555003). For these reasons, this variant has been classified as Pathogenic.

Fulgent Genetics
Classification: Pathogenic for Metachromatic leukodystrophy. Last evaluated: 2021-11-22. Review status: criteria provided, single submitter. Criteria: ACMG Guidelines, 2015. Collection method: clinical testing. Allele origin: unknown.

Women's Health and Genetics/Laboratory Corporation of America, LabCorp
Classification: Pathogenic for Metachromatic leukodystrophy. Last evaluated: 2019-05-13. Review status: criteria provided, single submitter. Criteria: LabCorp Variant Classification Summary - May 2015. Collection method: clinical testing. Allele origin: germline.
Comment: Variant summary: ARSA c.109_116delGACCTGGG (p.Asp37LeufsX36) results in a premature termination codon, predicted to cause a truncation of the encoded protein or absence of the protein due to nonsense mediated decay, which are commonly known mechanisms for disease. Truncations downstream of this position have been classified as pathogenic by our laboratory (eg. c.304delC(p.Leu102fsX6); c.960G>A(p.Trp320X)). The variant allele was found at a frequency of 1.2e-05 in 165594 control chromosomes (gnomAD) and has been reported in the literature in individuals affected with Metachromatic Leukodystrophy (Draghia_1997, Virgens_2015). Three of these patients had infantile metachromatic leukodystrophy. These data indicate that the variant is likely to be associated with disease. To our knowledge, no experimental evidence demonstrating an impact on protein function has been reported. No clinical diagnostic laboratories have submitted clinical-significance assessments for this variant to ClinVar after 2014. Based on the evidence outlined above, the variant was classified as pathogenic.

Counsyl
Classification: Likely pathogenic for Metachromatic leukodystrophy. Last evaluated: 2017-11-10. Review status: no assertion criteria provided. Collection method: clinical testing. Allele origin: unknown. Not counted in ClinVar's aggregate classification.

Literature cited by the submitters: PubMed 25965562 (cited by Natera, Inc. and Women's Health and Genetics/Laboratory Corporation of America, LabCorp); PubMed 9090526 (cited by 3 submitters); PubMed 8962139 (cited by Labcorp Genetics (formerly Invitae), Labcorp); PubMed 10477432 (cited by Labcorp Genetics (formerly Invitae), Labcorp); PubMed 26462614 (cited by Women's Health and Genetics/Laboratory Corporation of America, LabCorp).